The following is an entry in ClinVar:

ClinVar aggregate classification (germline): Uncertain significance (1 of 4 stars; one submission).

Conditions:
Cardiovascular phenotype. Identifiers: MedGen CN230736.

gnomAD v4.1: 6 of 1,613,248 alleles (0.00037%); highest among the groups gnomAD compares: Non-Finnish European, 0.00042%; no homozygotes.

Submission:

Ambry Genetics
Classification: Uncertain significance for Cardiovascular phenotype. Last evaluated: 2020-01-07. Review status: criteria provided, single submitter. Criteria: Ambry Variant Classification Scheme 2023. Collection method: clinical testing. Allele origin: germline.
Comment: The p.N2841S variant (also known as c.8522A>G), located in coding exon 24 of the TNXB gene, results from an A to G substitution at nucleotide position 8522. The asparagine at codon 2841 is replaced by serine, an amino acid with highly similar properties. This amino acid position is poorly conserved in available vertebrate species. In addition, this alteration is predicted to be tolerated by in silico analysis. Since supporting evidence is limited at this time, the clinical significance of this alteration remains unclear.

NM_001365276.2(TNXB):c.8528A>G (p.Asn2843Ser)

Gene: TNXB (tenascin XB; minus strand). Cytogenetic location: 6p21.33.
Variant type: single nucleotide variant.
Coding change: c.8528A>G on transcript NM_001365276.2 (MANE Select); coding-DNA position 8528, A replaced by G.
Protein change: p.Asn2843Ser; replaces asparagine 2843 with serine.
Molecular consequence: missense variant.
Genome position (GRCh38, 1-based): chr6:32,053,651, T>C on the plus strand (A>G on the coding strand, the complement: TNXB is on the minus strand). VCF-style: chr6-32053651-T-C. GRCh37 (hg19) VCF-style: chr6-32021428-T-C.
Other names: c.8522A>G, p.Asn2841Ser (NM_019105.8); short protein forms N2843S, N2841S.
Identifiers: ClinVar variation 1763723 (VCV001763723.2), dbSNP rs756045003, ClinGen allele CA363547443.